The following is an entry in ClinVar:

ClinVar aggregate classification (germline): Uncertain significance. Review status: criteria provided, multiple submitters, no conflicts (2 of 4 stars). 3 submissions from 3 submitters: Uncertain significance (3). Last evaluated 2025-08-31.

Conditions:
Hereditary cancer-predisposing syndrome. Also called: Tumor predisposition; Hereditary Cancer Syndrome; Neoplastic Syndromes, Hereditary; Hereditary neoplastic syndrome. Identifiers: Orphanet 140162, MedGen C0027672, MeSH D009386, MONDO:0015356.
Neuroblastoma, susceptibility to, 3. Also called: ALK-Related Neuroblastic Tumor Susceptibility. Identifiers: Orphanet 635, MedGen C2751681, MONDO:0013083, OMIM 613014.

Allele frequency attached by ClinVar (database versions not stated): gnomAD exomes below 0.00001; TOPMed below 0.00001; ExAC 0.00001; gnomAD 0.00001.
gnomAD v4.1: 6 of 1,611,632 alleles (0.00037%); highest among the groups gnomAD compares: Admixed American, 0.0033%; no homozygotes.

Submissions (3):

Ambry Genetics
Classification: Uncertain significance for Hereditary cancer-predisposing syndrome. Last evaluated: 2025-08-31. Review status: criteria provided, single submitter. Criteria: Ambry Variant Classification Scheme 2023. Collection method: clinical testing. Allele origin: germline.
Comment: The p.R1360W variant (also known as c.4078C>T), located in coding exon 28 of the ALK gene, results from a C to T substitution at nucleotide position 4078. The arginine at codon 1360 is replaced by tryptophan, an amino acid with dissimilar properties. This amino acid position is highly conserved in available vertebrate species. In addition, this alteration is predicted to be deleterious by in silico analysis. Since supporting evidence is limited at this time, the clinical significance of this alteration remains unclear.

Labcorp Genetics (formerly Invitae), Labcorp
Classification: Uncertain significance for Neuroblastoma, susceptibility to, 3. Last evaluated: 2025-07-18. Review status: criteria provided, single submitter. Criteria: Invitae Variant Classification Sherloc (09022015). Collection method: clinical testing. Allele origin: germline.
Comment: This sequence change replaces arginine, which is basic and polar, with tryptophan, which is neutral and slightly polar, at codon 1360 of the ALK protein (p.Arg1360Trp). This variant is present in population databases (rs777303002, gnomAD 0.006%). This variant has not been reported in the literature in individuals affected with ALK-related conditions. ClinVar contains an entry for this variant (Variation ID: 862850). An algorithm developed to predict the effect of missense changes on protein structure and function (PolyPhen-2) suggests that this variant is likely to be disruptive. In summary, the available evidence is currently insufficient to determine the role of this variant in disease. Therefore, it has been classified as a Variant of Uncertain Significance.

GeneDx
Classification: Uncertain significance. Last evaluated: 2024-07-02. Review status: criteria provided, single submitter. Criteria: GeneDx Variant Classification Process June 2021. Collection method: clinical testing. Allele origin: germline. Affected: yes.
Comment: Not observed at significant frequency in large population cohorts (gnomAD); In silico analysis supports that this missense variant has a deleterious effect on protein structure/function; Has not been previously published as pathogenic or benign to our knowledge

NM_004304.5(ALK):c.4078C>T (p.Arg1360Trp)

Gene: ALK (ALK receptor tyrosine kinase; minus strand). Cytogenetic location: 2p23.2.
Variant type: single nucleotide variant.
Coding change: c.4078C>T on transcript NM_004304.5 (MANE Select); coding-DNA position 4078, C replaced by T.
Protein change: p.Arg1360Trp; replaces arginine 1360 with tryptophan.
Molecular consequence: missense variant.
Genome position (GRCh38, 1-based): chr2:29,196,856, G>A on the plus strand (C>T on the coding strand, the complement: ALK is on the minus strand). VCF-style: chr2-29196856-G-A. GRCh37 (hg19) VCF-style: chr2-29419722-G-A.
Other names: c.874C>T, p.Arg292Trp (NM_001353765.2); short protein forms R292W, R1360W.
Identifiers: ClinVar variation 862850 (VCV000862850.12), dbSNP rs777303002, ClinGen allele CA1593667.